The following is an entry in ClinVar:

NM_018127.7(ELAC2):c.1177C>T (p.His393Tyr)

Gene: ELAC2 (elaC ribonuclease Z 2; minus strand). Cytogenetic location: 17p12.
Variant type: single nucleotide variant.
Coding change: c.1177C>T on transcript NM_018127.7 (MANE Select); coding-DNA position 1177, C replaced by T.
Protein change: p.His393Tyr; replaces histidine 393 with tyrosine.
Molecular consequence: missense variant.
Genome position (GRCh38, 1-based): chr17:13,002,482, G>A on the plus strand (C>T on the coding strand, the complement: ELAC2 is on the minus strand). VCF-style: chr17-13002482-G-A. GRCh37 (hg19) VCF-style: chr17-12905799-G-A.
Other names: c.1057C>T, p.His353Tyr (NM_001165962.2); c.1177C>T, p.His393Tyr (NM_173717.2); short protein forms H353Y, H393Y.
Identifiers: ClinVar variation 852029 (VCV000852029.8), dbSNP rs1404085657, ClinGen allele CA398225376.
Genomic context (GRCh38, chr17:13,002,482, plus strand): 5'-GGCCGGTCTGAGACACTACCTTACAGCGGAAACTGGTGAGCAGGGGGAAGATGTCCGGGT[G>A]GATGAGGTTGAGCTGGGTTTGAATCTTGTGGCTGCGAAGGTTGTGAACTGAGGCACAGTT-3'
Protein context (NP_060597.4, residues 383-403): HKIQTQLNLI[His393Tyr]PDIFPLLTSF

ClinVar aggregate classification (germline): Uncertain significance. Review status: criteria provided, multiple submitters, no conflicts (2 of 4 stars). 3 submissions from 3 submitters: Uncertain significance (3). Last evaluated 2022-05-18.

Conditions:
Combined oxidative phosphorylation defect type 17. Also called: Combined oxidative phosphorylation deficiency 17. Identifiers: Orphanet 369913, MedGen C3809526, MONDO:0014190, OMIM 615440.

Allele frequency attached by ClinVar (database versions not stated): gnomAD exomes below 0.00001 and 0.00001; TOPMed 0.00002; gnomAD 0.00003.
gnomAD v4.1: 16 of 1,608,526 alleles (0.00099%); highest among the groups gnomAD compares: Admixed American, 0.01%; no homozygotes.

Submissions (3):

Labcorp Genetics (formerly Invitae), Labcorp
Classification: Uncertain significance for Combined oxidative phosphorylation defect type 17. Last evaluated: 2022-05-18. Review status: criteria provided, single submitter. Criteria: Invitae Variant Classification Sherloc (09022015). Collection method: clinical testing. Allele origin: germline.
Comment: This sequence change replaces histidine, which is basic and polar, with tyrosine, which is neutral and polar, at codon 393 of the ELAC2 protein (p.His393Tyr). The frequency data for this variant in the population databases is considered unreliable, as metrics indicate poor data quality at this position in the gnomAD database. This variant has not been reported in the literature in individuals affected with ELAC2-related conditions. ClinVar contains an entry for this variant (Variation ID: 852029). Algorithms developed to predict the effect of missense changes on protein structure and function are either unavailable or do not agree on the potential impact of this missense change (SIFT: "Tolerated"; PolyPhen-2: "Possibly Damaging"; Align-GVGD: "Class C0"). In summary, the available evidence is currently insufficient to determine the role of this variant in disease. Therefore, it has been classified as a Variant of Uncertain Significance.

Mendelics
Classification: Uncertain significance. Last evaluated: 2022-05-04. Review status: criteria provided, single submitter. Criteria: Mendelics Assertion Criteria 2019. Collection method: clinical testing. Allele origin: germline.

Genetic Services Laboratory, University of Chicago
Classification: Uncertain significance. Last evaluated: 2017-07-03. Review status: criteria provided, single submitter. Criteria: ACMG Guidelines, 2015. Collection method: clinical testing. Allele origin: germline. Affected: no.